The following is an entry in ClinVar:

ClinVar aggregate classification (germline): Uncertain significance. Review status: criteria provided, multiple submitters, no conflicts (2 of 4 stars). 3 submissions from 3 submitters: Uncertain significance (3). Last evaluated 2024-11-11.

Conditions:
Developmental and epileptic encephalopathy, 14 (DEE14). Also called: Early infantile epileptic encephalopathy 14. Identifiers: Orphanet 293181, MedGen C3554195, MONDO:0013989, OMIM 614959.
Autosomal dominant nocturnal frontal lobe epilepsy 5. Also called: CILIARY DYSKINESIA, PRIMARY, 28, WITH SITUS INVERSUS; CILIARY DYSKINESIA, PRIMARY, 28, WITHOUT SITUS INVERSUS; Epilepsy, nocturnal frontal lobe, 5; KCNT1-Related Epilepsy. Identifiers: Orphanet 98784, MedGen C3554306, MONDO:0014002, OMIM 615005.

Submissions (3):

Labcorp Genetics (formerly Invitae), Labcorp
Classification: Uncertain significance for Autosomal dominant nocturnal frontal lobe epilepsy 5; Developmental and epileptic encephalopathy, 14. Last evaluated: 2024-11-11. Review status: criteria provided, single submitter. Criteria: Invitae Variant Classification Sherloc (09022015). Collection method: clinical testing. Allele origin: germline.
Comment: This sequence change creates a premature translational stop signal (p.Ser265Profs*37) in the KCNT1 gene. It is expected to result in an absent or disrupted protein product. However, the current clinical and genetic evidence is not sufficient to establish whether loss-of-function variants in KCNT1 cause disease. This variant is present in population databases (rs764041770, gnomAD 0.005%). This variant has not been reported in the literature in individuals affected with KCNT1-related conditions. ClinVar contains an entry for this variant (Variation ID: 835741). In summary, the available evidence is currently insufficient to determine the role of this variant in disease. Therefore, it has been classified as a Variant of Uncertain Significance.

Women's Health and Genetics/Laboratory Corporation of America, LabCorp
Classification: Uncertain significance. Last evaluated: 2024-10-08. Review status: criteria provided, single submitter. Criteria: LabCorp Variant Classification Summary - May 2015. Collection method: clinical testing. Allele origin: germline.
Comment: Variant summary: KCNT1 c.793_796delTCAG (p.Ser265ProfsX37) results in a premature termination codon, predicted to cause a truncation of the encoded protein or absence of the protein due to nonsense mediated decay, however current evidence is not sufficient to establish loss of function as a mechanism for disease. The variant allele was found at a frequency of 1.2e-05 in 251048 control chromosomes. The available data on variant occurrences in the general population are insufficient to allow any conclusion about variant significance. To our knowledge, no occurrence of c.793_796delTCAG in individuals affected with Developmental And Epileptic Encephalopathy, 14 and no experimental evidence demonstrating its impact on protein function have been reported. ClinVar contains an entry for this variant (Variation ID: 835741). Based on the evidence outlined above, the variant was classified as uncertain significance.

Blueprint Genetics
Classification: Uncertain significance. Last evaluated: 2018-06-29. Review status: criteria provided, single submitter. Criteria: ACMG Guidelines, 2015. Collection method: clinical testing. Allele origin: germline.

NM_020822.3(KCNT1):c.793_796del (p.Ser265fs)

Gene: KCNT1 (potassium sodium-activated channel subfamily T member 1; plus strand). Cytogenetic location: 9q34.3.
Variant type: Deletion.
Coding change: c.793_796del on transcript NM_020822.3 (MANE Select); coding-DNA positions 793 to 796, 4 bases deleted (TCAG; older notation c.793_796delTCAG).
Protein change: p.Ser265fs; shifts the reading frame from serine 265.
Molecular consequence: frameshift variant.
Genome position (GRCh38, 1-based): chr9:135,758,447-135,758,450, TCAG deleted; deleting any 4 consecutive bases within chr9:135,758,444-135,758,450 gives the same sequence; the c. name uses the placement nearest the transcript's 3' end. VCF-style (leftmost placement, unchanged base first): chr9-135758443-ACAGT-A. GRCh37 (hg19) VCF-style: chr9-138650289-ACAGT-A.
Other names: c.649_652del, p.Ser217fs (NM_001272003.2); c.793_796delTCAG (NM_020822.3); short protein forms S265fs, S217fs.
Identifiers: ClinVar variation 835741 (VCV000835741.10), dbSNP rs764041770, ClinGen allele CA5326656.